The following is an entry in ClinVar:

ClinVar aggregate classification (germline): Uncertain significance (1 of 4 stars; one submission).

gnomAD v4.1: 8 of 1,211,832 alleles (0.00066%); highest among the groups gnomAD compares: South Asian, 0.0018%; no homozygotes.

Submission:

Ambry Genetics
Classification: Uncertain significance. Last evaluated: 2026-09-02. Review status: criteria provided, single submitter. Criteria: Ambry Variant Classification Scheme 2023. Collection method: clinical testing. Allele origin: germline.
Comment: The c.1189C>T (p.P397S) alteration is located in exon 5 (coding exon 5) of the CXorf36 gene. This alteration results from a C to T substitution at nucleotide position 1189, causing the proline (P) at amino acid position 397 to be replaced by a serine (S). Based on data from gnomAD, the T allele has an overall frequency of 0.001% (1/181233) total alleles studied. The highest observed frequency was 0.005% (1/19066) of South Asian alleles. Based on insufficient or conflicting evidence, the clinical significance of this alteration remains unclear.

NM_176819.4(DIPK2B):c.1189C>T (p.Pro397Ser)

Gene: DIPK2B (divergent protein kinase domain 2B; minus strand). Cytogenetic location: Xp11.3.
Variant type: single nucleotide variant.
Coding change: c.1189C>T on transcript NM_176819.4 (MANE Select); coding-DNA position 1189, C replaced by T.
Protein change: p.Pro397Ser; replaces proline 397 with serine.
Molecular consequence: missense variant.
Genome position (GRCh38, 1-based): chrX:45,151,765, G>A on the plus strand (C>T on the coding strand, the complement: DIPK2B is on the minus strand). VCF-style: chrX-45151765-G-A. GRCh37 (hg19) VCF-style: chrX-45011010-G-A.
Other names: short protein forms P397S.
Identifiers: ClinVar variation 5035346 (VCV005035346.1).